The following is an entry in ClinVar:

NM_032634.4(PIGO):c.2360C>G (p.Pro787Arg)

Gene: PIGO (phosphatidylinositol glycan anchor biosynthesis class O; minus strand). Cytogenetic location: 9p13.3.
Variant type: single nucleotide variant.
Coding change: c.2360C>G on transcript NM_032634.4 (MANE Select); coding-DNA position 2360, C replaced by G.
Protein change: p.Pro787Arg; replaces proline 787 with arginine.
Molecular consequence: missense variant. On other transcripts: intron variant (2).
Genome position (GRCh38, 1-based): chr9:35,091,527, G>C on the plus strand (C>G on the coding strand, the complement: PIGO is on the minus strand). VCF-style: chr9-35091527-G-C. GRCh37 (hg19) VCF-style: chr9-35091524-G-C.
Other names: c.1345-236C>G (NM_152850.4, NM_001201484.2); short protein forms P787R.
Identifiers: ClinVar variation 1009196 (VCV001009196.10), dbSNP rs1396329353, ClinGen allele CA373320089.
Genomic context (GRCh38, chr9:35,091,527, plus strand): 5'-TCCTCCTGCATGTGTCGGTAGATTTGAGGGACCACATAATCCAAGTCAGCTTGAGAAGTG[G>C]GGGGGCCTGAGAAGGGAGTGAGGACAGTCCTGGTCCTTGGAGCGCCTGCCCCAGCCTTCA-3'
Protein context (NP_116023.2, residues 777-797): RTVLTPFSGP[Pro787Arg]TSQADLDYVV

ClinVar aggregate classification (germline): Uncertain significance (1 of 4 stars; one submission).

Conditions:
Hyperphosphatasia with impaired intellectual development syndrome 2. Also called: Hyperphosphatasia with intellectual disability syndrome 2; GLYCOSYLPHOSPHATIDYLINOSITOL BIOSYNTHESIS DEFECT 6. Identifiers: Orphanet 247262, MedGen C3553637, MONDO:0013882, OMIM 614749.

Allele frequency attached by ClinVar (database versions not stated): gnomAD exomes below 0.00001; gnomAD 0.00001.
gnomAD v4.1: 4 of 1,614,052 alleles (0.00025%); highest among the groups gnomAD compares: Admixed American, 0.0033%; no homozygotes.

Submission:

Labcorp Genetics (formerly Invitae), Labcorp
Classification: Uncertain significance for Hyperphosphatasia with impaired intellectual development syndrome 2. Last evaluated: 2022-06-13. Review status: criteria provided, single submitter. Criteria: Invitae Variant Classification Sherloc (09022015). Collection method: clinical testing. Allele origin: germline.
Comment: This sequence change replaces proline, which is neutral and non-polar, with arginine, which is basic and polar, at codon 787 of the PIGO protein (p.Pro787Arg). This variant is present in population databases (no rsID available, gnomAD 0.003%). This variant has not been reported in the literature in individuals affected with PIGO-related conditions. ClinVar contains an entry for this variant (Variation ID: 1009196). Algorithms developed to predict the effect of missense changes on protein structure and function are either unavailable or do not agree on the potential impact of this missense change (SIFT: "Deleterious"; PolyPhen-2: "Probably Damaging"; Align-GVGD: "Class C0"). In summary, the available evidence is currently insufficient to determine the role of this variant in disease. Therefore, it has been classified as a Variant of Uncertain Significance.